The following is an entry in ClinVar:

ClinVar aggregate classification (germline): Uncertain significance. Review status: criteria provided, multiple submitters, no conflicts (2 of 4 stars). 3 submissions from 2 submitters: Uncertain significance (3). Last evaluated 2025-10-04.

Conditions:
Sudden cardiac failure, infantile (SCFI). Identifiers: MedGen C4310664, MONDO:0014973, OMIM 617222.
Sudden cardiac failure, alcohol-induced (SCFAI). Identifiers: MedGen C4310663, MONDO:0014974, OMIM 617223.

Allele frequency attached by ClinVar (database versions not stated): gnomAD 0.00001.

Submissions (3):

Labcorp Genetics (formerly Invitae), Labcorp
Classification: Uncertain significance. Last evaluated: 2025-10-04. Review status: criteria provided, single submitter. Criteria: Invitae Variant Classification Sherloc (09022015). Collection method: clinical testing. Allele origin: germline.
Comment: This sequence change replaces alanine, which is neutral and non-polar, with valine, which is neutral and non-polar, at codon 130 of the PPA2 protein (p.Ala130Val). This variant is not present in population databases (gnomAD no frequency). This missense change has been observed in individual(s) with clinical features of PPA2-related conditions (PMID: 34400813). ClinVar contains an entry for this variant (Variation ID: 1048574). Invitae Evidence Modeling of protein sequence and biophysical properties (such as structural, functional, and spatial information, amino acid conservation, physicochemical variation, residue mobility, and thermodynamic stability) has been performed for this missense variant. However, the output from this modeling did not meet the statistical confidence thresholds required to predict the impact of this variant on PPA2 protein function. In summary, the available evidence is currently insufficient to determine the role of this variant in disease. Therefore, it has been classified as a Variant of Uncertain Significance.

PPA2 laboratory, University of Otago
Classification: Uncertain significance for Sudden cardiac failure, infantile. Last evaluated: 2021-03-02. Review status: criteria provided, single submitter. Criteria: ACMG Guidelines, 2015. Collection method: research. Allele origin: germline. Affected: yes.

PPA2 laboratory, University of Otago
Classification: Uncertain significance for Sudden cardiac failure, alcohol-induced. Last evaluated: 2021-03-02. Review status: criteria provided, single submitter. Criteria: ACMG Guidelines, 2015. Collection method: research. Allele origin: germline. Affected: yes.

Literature cited by the submitters: PubMed 34400813 (cited by Labcorp Genetics (formerly Invitae), Labcorp).

NM_176869.3(PPA2):c.389C>T (p.Ala130Val)

Gene: PPA2 (inorganic pyrophosphatase 2; minus strand). Cytogenetic location: 4q24.
Variant type: single nucleotide variant.
Coding change: c.389C>T on transcript NM_176869.3 (MANE Select); coding-DNA position 389, C replaced by T.
Protein change: p.Ala130Val; replaces alanine 130 with valine.
Molecular consequence: missense variant. On other transcripts: intron variant (2).
Genome position (GRCh38, 1-based): chr4:105,446,435, G>A on the plus strand (C>T on the coding strand, the complement: PPA2 is on the minus strand). VCF-style: chr4-105446435-G-A. GRCh37 (hg19) VCF-style: chr4-106367592-G-A.
Other names: c.389C>T, p.Ala130Val (NM_006903.4); c.157+27459C>T (NM_176867.3); c.222+10246C>T (NM_176866.2); short protein forms A130V.
Identifiers: ClinVar variation 1048574 (VCV001048574.4), dbSNP rs1722388188, ClinGen allele CA357802448.